The following is an entry in ClinVar:

NM_181486.4(TBX5):c.600G>T (p.Ala200=)

Gene: TBX5 (T-box transcription factor 5; minus strand). Cytogenetic location: 12q24.21.
Variant type: single nucleotide variant.
Coding change: c.600G>T on transcript NM_181486.4 (MANE Select); coding-DNA position 600, G replaced by T.
Protein change: p.Ala200=; no amino-acid change (alanine 200 retained).
Molecular consequence: synonymous variant.
Genome position (GRCh38, 1-based): chr12:114,394,804, C>A on the plus strand (G>T on the coding strand, the complement: TBX5 is on the minus strand). VCF-style: chr12-114394804-C-A. GRCh37 (hg19) VCF-style: chr12-114832609-C-A.
Other names: c.600G>T, p.Ala200= (NM_000192.3); c.450G>T, p.Ala150= (NM_080717.4).
Identifiers: ClinVar variation 772247 (VCV000772247.12), dbSNP rs139329918, ClinGen allele CA6809572.

ClinVar aggregate classification (germline): Likely benign. Review status: criteria provided, multiple submitters, no conflicts (2 of 4 stars). 3 submissions from 3 submitters: Likely benign (2). 1 of the submissions does not count toward it. Last evaluated 2024-03-21.

Conditions:
Cardiovascular phenotype. Identifiers: MedGen CN230736.
TBX5-related disorder. Also called: TBX5-related condition.
Aortic valve disease 2 (AOVD2). Identifiers: MedGen C3542024, MONDO:0013902, OMIM 614823.

Allele frequency attached by ClinVar (database versions not stated): gnomAD 0.00019; TOPMed 0.00021; ESP Exome Variant Server 0.00023; 1000 Genomes Project 0.00040; 1000 Genomes Project 30x 0.00047.
gnomAD v4.1: 58 of 1,614,112 alleles (0.0036%); highest among the groups gnomAD compares: African/African-American, 0.072%; no homozygotes.

Submissions (3):

Labcorp Genetics (formerly Invitae), Labcorp
Classification: Likely benign for Aortic valve disease 2. Last evaluated: 2024-03-21. Review status: criteria provided, single submitter. Criteria: Invitae Variant Classification Sherloc (09022015). Collection method: clinical testing. Allele origin: germline.

Ambry Genetics
Classification: Likely benign for Cardiovascular phenotype. Last evaluated: 2019-06-17. Review status: criteria provided, single submitter. Criteria: Ambry Variant Classification Scheme 2023. Collection method: clinical testing. Allele origin: germline.

PreventionGenetics, part of Exact Sciences
Classification: Likely benign for TBX5-related condition. Last evaluated: 2019-03-05. Review status: no assertion criteria provided. Collection method: clinical testing. Allele origin: germline. Not counted in ClinVar's aggregate classification.
Comment: This variant is classified as likely benign based on ACMG/AMP sequence variant interpretation guidelines (Richards et al. 2015 PMID: 25741868, with internal and published modifications).